The following is an entry in ClinVar:

NM_000094.4(COL7A1):c.1984C>T (p.Gln662Ter)

Gene: COL7A1 (collagen type VII alpha 1 chain; minus strand). Cytogenetic location: 3p21.31.
Variant type: single nucleotide variant.
Coding change: c.1984C>T on transcript NM_000094.4 (MANE Select); coding-DNA position 1984, C replaced by T.
Protein change: p.Gln662Ter; replaces glutamine 662 with a stop codon.
Molecular consequence: nonsense.
Genome position (GRCh38, 1-based): chr3:48,590,279, G>A on the plus strand (C>T on the coding strand, the complement: COL7A1 is on the minus strand). VCF-style: chr3-48590279-G-A. GRCh37 (hg19) VCF-style: chr3-48627712-G-A.
Other names: short protein forms Q662*.
Identifiers: ClinVar variation 2960280 (VCV002960280.5), dbSNP rs145236294, ClinGen allele CA73989501.
Genomic context (GRCh38, chr3:48,590,279, plus strand): 5'-GAGCCACGATGACTGCAGCAGGGCCCTCCTCTCTGCCTCGCAGTACCGACACAGCCACCT[G>A]GTAGGTGGTTCCAGGCTGCAGCCCTGTGATGTCTGTGGCAGTAGAGTCTGGGGGCAGTGT-3'

ClinVar aggregate classification (germline): Pathogenic/Likely pathogenic. Review status: criteria provided, multiple submitters, no conflicts (2 of 4 stars). 3 submissions from 3 submitters: Pathogenic (2); Likely pathogenic (1). Last evaluated 2025-03-01.

Conditions:
Recessive dystrophic epidermolysis bullosa (RDEB). Also called: DYSTROPHIC EPIDERMOLYSIS BULLOSA, AUTOSOMAL RECESSIVE; EPIDERMOLYSIS BULLOSA DYSTROPHICA, HALLOPEAU-SIEMENS TYPE; epidermolysis bullosa dystrophica, autosomal recessive; Recessive DEB (RDEB); Hallopeau-Siemens Disease; severe generalized recessive dystrophic epidermolysis bullosa. Identifiers: Orphanet 79408, Orphanet 79409, MedGen C0079474, MONDO:0009179, OMIM 226600.
Pretibial dystrophic epidermolysis bullosa. Also called: EPIDERMOLYSIS BULLOSA DYSTROPHICA, PRETIBIAL; Pretibial epidermolysis bullosa; Pretibial blistering. Identifiers: Orphanet 79410, MedGen C0432321, MONDO:0007552, OMIM 131850, HP:0012221.
Dominant dystrophic epidermolysis bullosa with absence of skin. Also called: EPIDERMOLYSIS BULLOSA WITH CONGENITAL LOCALIZED ABSENCE OF SKIN AND DEFORMITY OF NAILS; EPIDERMOLYSIS BULLOSA DYSTROPHICA, BART TYPE. Identifiers: MedGen C0268371, MONDO:0007557, OMIM 132000.
Epidermolysis bullosa pruriginosa. Also called: DEB, PRURIGINOSA; DYSTROPHIC EPIDERMOLYSIS BULLOSA PRURIGINOSA. Identifiers: Orphanet 89843, MedGen C1275114, MONDO:0011398, OMIM 604129.
Nonsyndromic congenital nail disorder 8. Also called: TOENAIL DYSTROPHY, ISOLATED. Identifiers: MedGen C1843761, MONDO:0011852, OMIM 607523.
Generalized dominant dystrophic epidermolysis bullosa (DDEB). Also called: Dominant DEB (DDEB); DDEB, generalized; DDEB-gen; DYSTROPHIC EPIDERMOLYSIS BULLOSA, AUTOSOMAL DOMINANT; Epidermolysis bullosa dystrophica, autosomal dominant. Identifiers: Orphanet 231568, MedGen C0432322, MONDO:0007549, OMIM 131750.
Transient bullous dermolysis of the newborn (TBDN). Also called: DYSTROPHIC EPIDERMOLYSIS BULLOSA, NEONATAL; EPIDERMOLYSIS BULLOSA DYSTROPHICA, NEONATAL FORM. Identifiers: Orphanet 79411, MedGen C1851573, MONDO:0007548, OMIM 131705.

Allele frequency attached by ClinVar (database versions not stated): ESP Exome Variant Server 0.00008; gnomAD exomes 0.00001.
gnomAD v4.1: 10 of 1,614,002 alleles (0.00062%); highest among the groups gnomAD compares: Non-Finnish European, 0.00085%; no homozygotes.

Submissions (3):

Myriad Genetics, Inc.
Classification: Pathogenic for Recessive dystrophic epidermolysis bullosa. Last evaluated: 2025-03-01. Review status: criteria provided, single submitter. Criteria: Myriad Autosomal Dominant, Autosomal Recessive and X-Linked Classification Criteria (2023). Collection method: clinical testing. Allele origin: unknown.
Comment: NM_000094.3(COL7A1):c.1984C>T(Q662*) is expected to be pathogenic in the context of dystrophic epidermolysis bullosa. This variant is predicted to lead to an abnormal or absent protein product due to the creation of a premature termination codon in COL7A1, a gene where loss-of-function variants are known to be pathogenic. Please note: this variant was assessed in the context of healthy population screening.

Fulgent Genetics
Classification: Likely pathogenic for Transient bullous dermolysis of the newborn; Generalized dominant dystrophic epidermolysis bullosa; Pretibial dystrophic epidermolysis bullosa; Dominant dystrophic epidermolysis bullosa with absence of skin; Recessive dystrophic epidermolysis bullosa; Epidermolysis bullosa pruriginosa; Nonsyndromic congenital nail disorder 8. Last evaluated: 2024-03-14. Review status: criteria provided, single submitter. Criteria: ACMG Guidelines, 2015. Collection method: clinical testing. Allele origin: germline.

Labcorp Genetics (formerly Invitae), Labcorp
Classification: Pathogenic. Last evaluated: 2023-06-30. Review status: criteria provided, single submitter. Criteria: Invitae Variant Classification Sherloc (09022015). Collection method: clinical testing. Allele origin: germline.
Comment: This variant is not present in population databases (gnomAD no frequency). This sequence change creates a premature translational stop signal (p.Gln662*) in the COL7A1 gene. It is expected to result in an absent or disrupted protein product. Loss-of-function variants in COL7A1 are known to be pathogenic (PMID: 16971478). This variant has not been reported in the literature in individuals affected with COL7A1-related conditions. Algorithms developed to predict the effect of sequence changes on RNA splicing suggest that this variant may disrupt the consensus splice site. For these reasons, this variant has been classified as Pathogenic.

Literature cited by the submitters: PubMed 16971478 (cited by Labcorp Genetics (formerly Invitae), Labcorp).